The following is an entry in ClinVar:

NM_001205293.3(CACNA1E):c.3526G>A (p.Val1176Ile)

Gene: CACNA1E (calcium voltage-gated channel subunit alpha1 E; plus strand). Cytogenetic location: 1q25.3.
Variant type: single nucleotide variant.
Coding change: c.3526G>A on transcript NM_001205293.3 (MANE Select); coding-DNA position 3526, G replaced by A.
Protein change: p.Val1176Ile; replaces valine 1176 with isoleucine.
Molecular consequence: missense variant.
Genome position (GRCh38, 1-based): chr1:181,737,628, G>A. VCF-style: chr1-181737628-G-A. GRCh37 (hg19) VCF-style: chr1-181706764-G-A.
Other names: c.3526G>A, p.Val1176Ile (NM_000721.4); c.3469G>A, p.Val1157Ile (NM_001205294.2); short protein forms V1157I, V1176I.
Identifiers: ClinVar variation 1439131 (VCV001439131.8), dbSNP rs1228218600, ClinGen allele CA343622030.

ClinVar aggregate classification (germline): Uncertain significance (1 of 4 stars; one submission).

Allele frequency attached by ClinVar (database versions not stated): gnomAD exomes below 0.00001 and 0.00001; TOPMed below 0.00001; gnomAD 0.00001.
gnomAD v4.1: 16 of 1,613,880 alleles (0.00099%); highest among the groups gnomAD compares: East Asian, 0.0022%; no homozygotes.

Submission:

Labcorp Genetics (formerly Invitae), Labcorp
Classification: Uncertain significance. Last evaluated: 2025-07-13. Review status: criteria provided, single submitter. Criteria: Invitae Variant Classification Sherloc (09022015). Collection method: clinical testing. Allele origin: germline.
Comment: This sequence change replaces valine, which is neutral and non-polar, with isoleucine, which is neutral and non-polar, at codon 1176 of the CACNA1E protein (p.Val1176Ile). This variant is present in population databases (no rsID available, gnomAD 0.0009%). This variant has not been reported in the literature in individuals affected with CACNA1E-related conditions. ClinVar contains an entry for this variant (Variation ID: 1439131). Invitae Evidence Modeling of protein sequence and biophysical properties (such as structural, functional, and spatial information, amino acid conservation, physicochemical variation, residue mobility, and thermodynamic stability) has been performed for this missense variant. However, the output from this modeling did not meet the statistical confidence thresholds required to predict the impact of this variant on CACNA1E protein function. In summary, the available evidence is currently insufficient to determine the role of this variant in disease. Therefore, it has been classified as a Variant of Uncertain Significance.